The following is an entry in ClinVar:

ClinVar aggregate classification (germline): Uncertain significance (1 of 4 stars; one submission).

gnomAD v4.1: 2 of 1,583,386 alleles (0.00013%); highest among the groups gnomAD compares: African/African-American, 0.0013%; no homozygotes.

Submission:

Dasa
Classification: Uncertain significance. Last evaluated: 2026-02-16. Review status: criteria provided, single submitter. Criteria: DASA Assertion Criteria. Collection method: clinical testing. Allele origin: germline.
Comment: NM_015057.5(MYCBP2):c.5366A>G (p.His1789Arg) is a missense variant that results in the substitution of histidine with arginine. This variant is rare in population databases. The currently available literature and clinical evidence are not sufficient to establish a definitive association between this variant and the reported condition. Therefore, this variant is classified as a variant of uncertain significance.

NM_015057.5(MYCBP2):c.5366A>G (p.His1789Arg)

Gene: MYCBP2 (MYC binding protein 2; minus strand). Cytogenetic location: 13q22.3.
Variant type: single nucleotide variant.
Coding change: c.5366A>G on transcript NM_015057.5 (MANE Select); coding-DNA position 5366, A replaced by G.
Protein change: p.His1789Arg; replaces histidine 1789 with arginine.
Molecular consequence: missense variant.
Genome position (GRCh38, 1-based): chr13:77,176,603, T>C on the plus strand (A>G on the coding strand, the complement: MYCBP2 is on the minus strand). VCF-style: chr13-77176603-T-C. GRCh37 (hg19) VCF-style: chr13-77750738-T-C.
Other names: short protein forms H1789R.
Identifiers: ClinVar variation 4885779 (VCV004885779.2).